The following is an entry in ClinVar:

NM_001190274.2(FBXO11):c.2753C>G (p.Pro918Arg)

Genes: FBXO11 (F-box protein 11; minus strand), MSH6 (mutS homolog 6; plus strand). Cytogenetic location: 2p16.3.
Variant type: single nucleotide variant.
Coding change: c.2753C>G on transcript NM_001190274.2 (MANE Select); coding-DNA position 2753, C replaced by G.
Protein change: p.Pro918Arg; replaces proline 918 with arginine.
Molecular consequence: missense variant. On other transcripts: intron variant (6).
Genome position (GRCh38, 1-based): chr2:47,808,149, G>C on the plus strand (C>G on the coding strand, the complement: FBXO11 is on the minus strand). VCF-style: chr2-47808149-G-C. GRCh37 (hg19) VCF-style: chr2-48035288-G-C.
Other names: c.2501C>G, p.Pro834Arg (NM_001374325.1, NM_025133.4); c.*43+1246G>C (NM_001406809.1); c.*40+1249G>C (NM_001406796.1, NM_001406811.1, NM_001406805.1 and 2 more transcripts); short protein forms P918R, P834R.
Identifiers: ClinVar variation 4839601 (VCV004839601.1).

ClinVar aggregate classification (germline): Uncertain significance (1 of 4 stars; one submission).

Conditions:
Inborn genetic diseases. Identifiers: MedGen C0950123, MeSH D030342.

Submission:

Ambry Genetics
Classification: Uncertain significance for Inborn genetic diseases. Last evaluated: 2026-01-28. Review status: criteria provided, single submitter. Criteria: Ambry Variant Classification Scheme 2023. Collection method: clinical testing. Allele origin: germline.
Comment: The c.2753C>G (p.P918R) alteration is located in exon 23 (coding exon 23) of the FBXO11 gene. This alteration results from a C to G substitution at nucleotide position 2753, causing the proline (P) at amino acid position 918 to be replaced by an arginine (R). This variant was not reported in population-based cohorts in the Genome Aggregation Database (gnomAD). This amino acid position is highly conserved in available vertebrate species. This missense variant is located in a region that has a low rate of benign missense variation (Lek, 2016; Firth, 2009). This alteration is predicted to be deleterious by in silico analysis. Based on insufficient or conflicting evidence, the clinical significance of this alteration remains unclear.